The following is an entry in ClinVar:

ClinVar aggregate classification (germline): Benign (1 of 4 stars; one submission).

Conditions:
Rhizomelic chondrodysplasia punctata type 3 (RCDP3). Also called: ALKYLDIHYDROXYACETONEPHOSPHATE SYNTHASE DEFICIENCY; Alkylglycerone Phosphate Synthase (AGPS) deficiency. Identifiers: Orphanet 177, Orphanet 309803, MedGen C1838612, MONDO:0010823, OMIM 600121. Disease mechanism: loss of function.

Allele frequency attached by ClinVar (database versions not stated): gnomAD 0.03065 and 0.03281; 1000 Genomes Project 0.03275; TOPMed 0.03418; 1000 Genomes Project 30x 0.03420.

Submission:

Illumina Laboratory Services, Illumina
Classification: Benign for Rhizomelic chondrodysplasia punctata type 3. Last evaluated: 2018-01-13. Review status: criteria provided, single submitter. Criteria: ICSL Variant Classification Criteria 13 December 2019. Collection method: clinical testing. Allele origin: germline.
Comment: This variant was observed in the ICSL laboratory as part of a predisposition screen in an ostensibly healthy population. It had not been previously curated by ICSL or reported in the Human Gene Mutation Database (HGMD: prior to June 1st, 2018), and was therefore a candidate for classification through an automated scoring system. Utilizing variant allele frequency, disease prevalence and penetrance estimates, and inheritance mode, an automated score was calculated to assess if this variant is too frequent to cause the disease. Based on the score and internal cut-off values, a variant classified as benign is not then subjected to further curation. The score for this variant resulted in a classification of benign for this disease.

NM_003659.4(AGPS):c.*4821C>T

Gene: AGPS (alkylglycerone phosphate synthase; plus strand). Cytogenetic location: 2q31.2.
Variant type: single nucleotide variant.
Coding change: c.*4821C>T on transcript NM_003659.4 (MANE Select); 4821 bases downstream of the stop codon, C replaced by T.
Molecular consequence: 3 prime UTR variant.
Genome position (GRCh38, 1-based): chr2:177,543,016, C>T. VCF-style: chr2-177543016-C-T. GRCh37 (hg19) VCF-style: chr2-178407744-C-T.
Identifiers: ClinVar variation 332596 (VCV000332596.5), dbSNP rs28576781, ClinGen allele CA10611540.